The following is an entry in ClinVar:

NM_201253.3(CRB1):c.805C>A (p.Gln269Lys)

Gene: CRB1 (crumbs cell polarity complex component 1; plus strand). Cytogenetic location: 1q31.3.
Variant type: single nucleotide variant.
Coding change: c.805C>A on transcript NM_201253.3 (MANE Select); coding-DNA position 805, C replaced by A.
Protein change: p.Gln269Lys; replaces glutamine 269 with lysine.
Molecular consequence: missense variant. On other transcripts: non-coding transcript variant (2), intron variant (1).
Genome position (GRCh38, 1-based): chr1:197,344,433, C>A. VCF-style: chr1-197344433-C-A. GRCh37 (hg19) VCF-style: chr1-197313563-C-A.
Other names: c.598C>A, p.Gln200Lys (NM_001257965.2); c.805C>A, p.Gln269Lys (NM_001257966.2); c.653-12398C>A (NM_001193640.2); short protein forms Q269K, Q200K.
Identifiers: ClinVar variation 2122703 (VCV002122703.4), dbSNP rs753224594, ClinGen allele CA1311707.

ClinVar aggregate classification (germline): Uncertain significance (1 of 4 stars; one submission).

Conditions:
Leber congenital amaurosis 8 (LCA8). Identifiers: Orphanet 65, MedGen C3151202, MONDO:0013453, OMIM 613835.
Retinitis pigmentosa 12 (RP12). Also called: RP WITH OR WITHOUT PRESERVED PARAARTERIOLE RETINAL PIGMENT EPITHELIUM; RETINITIS PIGMENTOSA WITH OR WITHOUT PARAARTERIOLAR PRESERVATION OF RETINAL PIGMENT EPITHELIUM; RP WITH OR WITHOUT PPRPE. Identifiers: Orphanet 791, MedGen C1838647, MONDO:0010818, OMIM 600105.

Allele frequency attached by ClinVar (database versions not stated): ExAC 0.00001; gnomAD exomes 0.00001.
gnomAD v4.1: 3 of 1,614,042 alleles (0.00019%); highest among the groups gnomAD compares: South Asian, 0.0033%; no homozygotes.

Submission:

Labcorp Genetics (formerly Invitae), Labcorp
Classification: Uncertain significance for Leber congenital amaurosis 8; Retinitis pigmentosa 12. Last evaluated: 2022-04-07. Review status: criteria provided, single submitter. Criteria: Invitae Variant Classification Sherloc (09022015). Collection method: clinical testing. Allele origin: germline.
Comment: In summary, the available evidence is currently insufficient to determine the role of this variant in disease. Therefore, it has been classified as a Variant of Uncertain Significance. Advanced modeling of protein sequence and biophysical properties (such as structural, functional, and spatial information, amino acid conservation, physicochemical variation, residue mobility, and thermodynamic stability) performed at Invitae indicates that this missense variant is not expected to disrupt CRB1 protein function. This variant has not been reported in the literature in individuals affected with CRB1-related conditions. The frequency data for this variant in the population databases is considered unreliable, as metrics indicate poor data quality at this position in the gnomAD database. This sequence change replaces glutamine, which is neutral and polar, with lysine, which is basic and polar, at codon 269 of the CRB1 protein (p.Gln269Lys).